The following is an entry in ClinVar:

NM_001122752.2(SERPINI1):c.175A>G (p.Met59Val)

Gene: SERPINI1 (serpin family I member 1; plus strand). Cytogenetic location: 3q26.1.
Variant type: single nucleotide variant.
Coding change: c.175A>G on transcript NM_001122752.2 (MANE Select); coding-DNA position 175, A replaced by G.
Protein change: p.Met59Val; replaces methionine 59 with valine.
Molecular consequence: missense variant.
Genome position (GRCh38, 1-based): chr3:167,789,303, A>G. VCF-style: chr3-167789303-A-G. GRCh37 (hg19) VCF-style: chr3-167507091-A-G.
Other names: c.175A>G, p.Met59Val (NM_005025.5); short protein forms M59V.
Identifiers: ClinVar variation 952710 (VCV000952710.10), dbSNP rs1727418833, ClinGen allele CA355155693.

ClinVar aggregate classification (germline): Uncertain significance. Review status: criteria provided, multiple submitters, no conflicts (2 of 4 stars). 2 submissions from 2 submitters: Uncertain significance (2). Last evaluated 2024-01-29.

Conditions:
Familial encephalopathy with neuroserpin inclusion bodies. Also called: ENCEPHALOPATHY, FAMILIAL, WITH COLLINS BODIES. Identifiers: Orphanet 85110, MedGen C1858680, MONDO:0011412, OMIM 604218.
Inborn genetic diseases. Identifiers: MedGen C0950123, MeSH D030342.

gnomAD v4.1: 4 of 1,614,186 alleles (0.00025%); highest among the groups gnomAD compares: Admixed American, 0.0033%; no homozygotes.

Submissions (2):

Ambry Genetics
Classification: Uncertain significance for Inborn genetic diseases. Last evaluated: 2024-01-29. Review status: criteria provided, single submitter. Criteria: Ambry Variant Classification Scheme 2023. Collection method: clinical testing. Allele origin: germline.

Labcorp Genetics (formerly Invitae), Labcorp
Classification: Uncertain significance for Familial encephalopathy with neuroserpin inclusion bodies. Last evaluated: 2023-03-19. Review status: criteria provided, single submitter. Criteria: Invitae Variant Classification Sherloc (09022015). Collection method: clinical testing. Allele origin: germline.
Comment: In summary, the available evidence is currently insufficient to determine the role of this variant in disease. Therefore, it has been classified as a Variant of Uncertain Significance. Advanced modeling of protein sequence and biophysical properties (such as structural, functional, and spatial information, amino acid conservation, physicochemical variation, residue mobility, and thermodynamic stability) performed at Invitae indicates that this missense variant is not expected to disrupt SERPINI1 protein function. ClinVar contains an entry for this variant (Variation ID: 952710). This variant has not been reported in the literature in individuals affected with SERPINI1-related conditions. This variant is not present in population databases (gnomAD no frequency). This sequence change replaces methionine, which is neutral and non-polar, with valine, which is neutral and non-polar, at codon 59 of the SERPINI1 protein (p.Met59Val).